The following is an entry in ClinVar:

ClinVar aggregate classification (germline): Uncertain significance (1 of 4 stars; one submission).

Conditions:
Long QT syndrome (LQTS). Identifiers: MedGen C0023976, MeSH D008133, MONDO:0002442. Disease mechanism: loss of function. Inheritance: Various modes of inheritance.

gnomAD v4.1: 1 of 1,613,706 alleles (0.000062%); no homozygotes.

Submission:

Labcorp Genetics (formerly Invitae), Labcorp
Classification: Uncertain significance for Long QT syndrome. Last evaluated: 2022-08-25. Review status: criteria provided, single submitter. Criteria: Invitae Variant Classification Sherloc (09022015). Collection method: clinical testing. Allele origin: germline.
Comment: This sequence change replaces histidine, which is basic and polar, with proline, which is neutral and non-polar, at codon 1890 of the ANK2 protein (p.His1890Pro). This variant is not present in population databases (gnomAD no frequency). In summary, the available evidence is currently insufficient to determine the role of this variant in disease. Therefore, it has been classified as a Variant of Uncertain Significance. Algorithms developed to predict the effect of missense changes on protein structure and function are either unavailable or do not agree on the potential impact of this missense change (SIFT: "Tolerated"; PolyPhen-2: "Possibly Damaging"; Align-GVGD: "Class C0"). This variant has not been reported in the literature in individuals affected with ANK2-related conditions.

NM_001148.6(ANK2):c.5669A>C (p.His1890Pro)

Genes: ANK2 (ankyrin 2; plus strand), LOC126807136 (MED14-independent group 3 enhancer GRCh37_chr4:114274931-114276130; plus strand). Cytogenetic location: 4q26.
Variant type: single nucleotide variant.
Coding change: c.5669A>C on transcript NM_001148.6 (MANE Select); coding-DNA position 5669, A replaced by C.
Protein change: p.His1890Pro; replaces histidine 1890 with proline.
Molecular consequence: missense variant. On other transcripts: intron variant (68).
Genome position (GRCh38, 1-based): chr4:113,354,287, A>C. VCF-style: chr4-113354287-A-C. GRCh37 (hg19) VCF-style: chr4-114275443-A-C.
Other names: c.5435A>C, p.His1812Pro (NM_001386142.1); c.2069A>C, p.His690Pro (NM_001386166.1); c.5810A>C, p.His1937Pro (NM_001386174.1); c.5786A>C, p.His1929Pro (NM_001386175.1); c.4411+4038A>C (NM_001386186.2, NM_001386148.2); c.4213+4038A>C (NM_001354269.3); c.4291+4038A>C (NM_001386187.2); c.4252+4038A>C (NM_001386147.1); and 35 more; short protein forms H1812P, H1890P, H1929P, H1937P, H690P.
Identifiers: ClinVar variation 1718011 (VCV001718011.6), dbSNP rs751507915, ClinGen allele CA357920808.